The following is an entry in ClinVar:

ClinVar aggregate classification (germline): Uncertain significance (1 of 4 stars; one submission).

Submission:

Labcorp Genetics (formerly Invitae), Labcorp
Classification: Uncertain significance. Last evaluated: 2022-06-08. Review status: criteria provided, single submitter. Criteria: Invitae Variant Classification Sherloc (09022015). Collection method: clinical testing. Allele origin: germline.
Comment: In summary, the available evidence is currently insufficient to determine the role of this variant in disease. Therefore, it has been classified as a Variant of Uncertain Significance. Experimental studies and prediction algorithms are not available or were not evaluated, and the functional significance of this variant is currently unknown. This variant has not been reported in the literature in individuals affected with PTPN23-related conditions. This variant results in a copy number gain of the genomic region encompassing exon(s) 1-12 of the PTPN23 gene. This region includes the initiator codon of the gene. This copy number gain extends beyond the assayed region for this gene and therefore may encompass additional genes. As the precise location of this event is unknown, it may be in tandem or it may be located elsewhere in the genome.

NC_000003.11:g.(?_47422587)_(47449094_?)dup

Gene: PTPN23 (protein tyrosine phosphatase non-receptor type 23; plus strand). Cytogenetic location: 3p21.31.
Variant type: Duplication.
Identifiers: ClinVar variation 2426156 (VCV002426156.4).